The following is an entry in ClinVar:

NM_016955.4(SEPSECS):c.1397G>C (p.Ser466Thr)

Gene: SEPSECS (Sep (O-phosphoserine) tRNA:Sec (selenocysteine) tRNA synthase; minus strand). Cytogenetic location: 4p15.2.
Variant type: single nucleotide variant.
Coding change: c.1397G>C on transcript NM_016955.4 (MANE Select); coding-DNA position 1397, G replaced by C.
Protein change: p.Ser466Thr; replaces serine 466 with threonine.
Molecular consequence: missense variant.
Genome position (GRCh38, 1-based): chr4:25,124,040, C>G on the plus strand (G>C on the coding strand, the complement: SEPSECS is on the minus strand). VCF-style: chr4-25124040-C-G. GRCh37 (hg19) VCF-style: chr4-25125662-C-G.
Other names: c.1652G>C, p.Ser551Thr (NM_001410714.1); short protein forms S466T, S551T.
Identifiers: ClinVar variation 3391471 (VCV003391471.2).

ClinVar aggregate classification (germline): Uncertain significance. Review status: criteria provided, multiple submitters, no conflicts (2 of 4 stars). 2 submissions from 2 submitters: Uncertain significance (2). Last evaluated 2024-06-21.

Conditions:
Pontocerebellar hypoplasia type 2D (PCH2D). Also called: Progressive cerebello-cerebral atrophy. Identifiers: Orphanet 247198, Orphanet 2524, MedGen C3151140, MONDO:0013438, OMIM 613811.

gnomAD v4.1: 80 of 1,613,682 alleles (0.005%); highest among the groups gnomAD compares: Non-Finnish European, 0.0066%; no homozygotes.

Submissions (2):

GeneDx
Classification: Uncertain significance. Last evaluated: 2024-06-21. Review status: criteria provided, single submitter. Criteria: GeneDx Variant Classification Process June 2021. Collection method: clinical testing. Allele origin: germline. Affected: yes.
Comment: Not observed at significant frequency in large population cohorts (gnomAD); In silico analysis supports that this missense variant does not alter protein structure/function; Has not been previously published as pathogenic or benign to our knowledge

Department of Pathology and Laboratory Medicine, Sinai Health System
Classification: Uncertain significance for Pontocerebellar hypoplasia type 2D. Last evaluated: 2021-08-03. Review status: criteria provided, single submitter. Criteria: ACMG Guidelines, 2015. Collection method: research. Allele origin: germline.